The following is an entry in ClinVar:

NM_001035.3(RYR2):c.11786C>T (p.Thr3929Ile)

Gene: RYR2 (ryanodine receptor 2; plus strand). Cytogenetic location: 1q43.
Variant type: single nucleotide variant.
Coding change: c.11786C>T on transcript NM_001035.3 (MANE Select); coding-DNA position 11786, C replaced by T.
Protein change: p.Thr3929Ile; replaces threonine 3929 with isoleucine.
Molecular consequence: missense variant.
Genome position (GRCh38, 1-based): chr1:237,778,676, C>T. VCF-style: chr1-237778676-C-T. GRCh37 (hg19) VCF-style: chr1-237941976-C-T.
Other names: short protein forms T3929I.
Identifiers: ClinVar variation 920321 (VCV000920321.13), dbSNP rs1694858606, ClinGen allele CA345409016.
Genomic context (GRCh38, chr1:237,778,676, plus strand): 5'-TGGCAAATAAATTATGAGGAATAATTGCCGTTTGTCTGTTTATGCTCCAGGGTCCTTGCA[C>T]TGGGAATCAACAGAGTTTGGCACACAGCAGGCTGTGGGATGCTGTGGTCGGCTTTCTTCA-3'
Protein context (NP_001026.2, residues 3919-3939): TLTEYIQGPC[Thr3929Ile]GNQQSLAHSR

ClinVar aggregate classification (germline): Uncertain significance. Review status: criteria provided, multiple submitters, no conflicts (2 of 4 stars). 2 submissions from 2 submitters: Uncertain significance (2). Last evaluated 2024-03-06.

Conditions:
Catecholaminergic polymorphic ventricular tachycardia (CVPT). Also called: Catecholamine-induced polymorphic ventricular tachycardia. Identifiers: Orphanet 3286, MedGen C5574922, MONDO:0017990.
Cardiomyopathy (CMYO). Also called: Cardiomyopathies. Identifiers: Orphanet 167848, MedGen C0878544, MONDO:0004994, HP:0001638. Inheritance: Various modes of inheritance.

Submissions (2):

Color Diagnostics, LLC DBA Color Health
Classification: Uncertain significance for Cardiomyopathy. Last evaluated: 2024-03-06. Review status: criteria provided, single submitter. Criteria: ACMG Guidelines, 2015. Collection method: clinical testing. Allele origin: germline.
Comment: This variant is located in the RYR2 protein. Computational prediction is inconclusive regarding the impact of this variant on protein structure and function (internally defined REVEL score threshold 0.5 < inconclusive < 0.7, PMID: 27666373). To our knowledge, functional studies have not been reported for this variant. This variant has not been reported in individuals affected with RYR2-related disorders in the literature. This variant has not been identified in the general population by the Genome Aggregation Database (gnomAD). The available evidence is insufficient to determine the role of this variant in disease conclusively. Therefore, this variant is classified as a Variant of Uncertain Significance.

All of Us Research Program, National Institutes of Health
Classification: Uncertain significance for Catecholaminergic polymorphic ventricular tachycardia. Last evaluated: 2023-06-08. Review status: criteria provided, single submitter. Criteria: ACMG Guidelines, 2015. Collection method: clinical testing. Allele origin: germline. Inheritance: Autosomal dominant inheritance. Observed: 1 variant allele, 1 heterozygote.
Comment: This missense variant replaces threonine with isoleucine at codon 3929 of the RYR2 protein. Computational prediction is inconclusive regarding the impact of this variant on protein structure and function (internally defined REVEL score threshold 0.5 < inconclusive < 0.7, PMID: 27666373). Splice site prediction tools suggest that this variant may not impact RNA splicing. To our knowledge, functional studies have not been performed for this variant. This variant has not been reported in individuals affected with cardiovascular disorders in the literature. This variant has not been identified in the general population by the Genome Aggregation Database (gnomAD). The available evidence is insufficient to determine the role of this variant in disease conclusively. Therefore, this variant is classified as a Variant of Uncertain Significance.

This study involves interpretation of variants in research participants for the purpose of population health screening. Participant phenotype was not available at the time of variant classification. Additional details can be found in publication PMID: 35346344, PMCID: PMC8962531